The following is an entry in ClinVar:

NM_001278116.2(L1CAM):c.3235G>A (p.Asp1079Asn)

Gene: L1CAM (L1 cell adhesion molecule; minus strand). Cytogenetic location: Xq28.
Variant type: single nucleotide variant.
Coding change: c.3235G>A on transcript NM_001278116.2 (MANE Select); coding-DNA position 3235, G replaced by A.
Protein change: p.Asp1079Asn; replaces aspartic acid 1079 with asparagine.
Molecular consequence: missense variant.
Genome position (GRCh38, 1-based): chrX:153,864,409, C>T on the plus strand (G>A on the coding strand, the complement: L1CAM is on the minus strand). VCF-style: chrX-153864409-C-T. GRCh37 (hg19) VCF-style: chrX-153129864-C-T.
Other names: c.3235G>A, p.Asp1079Asn (NM_000425.5, NM_024003.3); c.3220G>A, p.Asp1074Asn (NM_001143963.2); short protein forms D1079N, D1074N.
Identifiers: ClinVar variation 2083283 (VCV002083283.1), dbSNP rs2520965503, ClinGen allele CA415110939.

ClinVar aggregate classification (germline): Uncertain significance (1 of 4 stars; one submission).

Conditions:
Spastic paraplegia. Identifiers: MedGen C0037772, HP:0001258.

gnomAD v4.1: 1 of 1,211,107 alleles (0.000083%); no homozygotes.

Submission:

Labcorp Genetics (formerly Invitae), Labcorp
Classification: Uncertain significance for Spastic paraplegia. Last evaluated: 2022-10-19. Review status: criteria provided, single submitter. Criteria: Invitae Variant Classification Sherloc (09022015). Collection method: clinical testing. Allele origin: germline.
Comment: This sequence change replaces aspartic acid, which is acidic and polar, with asparagine, which is neutral and polar, at codon 1079 of the L1CAM protein (p.Asp1079Asn). This variant is not present in population databases (gnomAD no frequency). This variant has not been reported in the literature in individuals affected with L1CAM-related conditions. Advanced modeling of protein sequence and biophysical properties (such as structural, functional, and spatial information, amino acid conservation, physicochemical variation, residue mobility, and thermodynamic stability) performed at Invitae indicates that this missense variant is not expected to disrupt L1CAM protein function. In summary, the available evidence is currently insufficient to determine the role of this variant in disease. Therefore, it has been classified as a Variant of Uncertain Significance.